The following is an entry in ClinVar:

NM_004991.4(MECOM):c.3275A>G (p.Glu1092Gly)

Gene: MECOM (MDS1 and EVI1 complex locus; minus strand). Cytogenetic location: 3q26.2.
Variant type: single nucleotide variant.
Coding change: c.3275A>G on transcript NM_004991.4 (MANE Select); coding-DNA position 3275, A replaced by G.
Protein change: p.Glu1092Gly; replaces glutamic acid 1092 with glycine.
Molecular consequence: missense variant.
Genome position (GRCh38, 1-based): chr3:169,090,126, T>C on the plus strand (A>G on the coding strand, the complement: MECOM is on the minus strand). VCF-style: chr3-169090126-T-C. GRCh37 (hg19) VCF-style: chr3-168807914-T-C.
Other names: c.2906A>G, p.Glu969Gly (NM_001105077.4); c.2711A>G, p.Glu904Gly (NM_001105078.4, NM_001205194.2, NM_001366469.2 and 1 more transcripts); c.2687A>G, p.Glu896Gly (NM_001163999.2, NM_001366470.2); c.2684A>G, p.Glu895Gly (NM_001164000.2, NM_001366471.2, NM_001366472.2); c.3248A>G, p.Glu1083Gly (NM_001366466.2); c.2714A>G, p.Glu905Gly (NM_001366467.2, NM_001366468.2); c.2276A>G, p.Glu759Gly (NM_001366473.2); c.1712A>G, p.Glu571Gly (NM_001366474.2); short protein forms E1083G, E1092G, E571G, E759G, E895G, E896G, E904G, E905G.
Identifiers: ClinVar variation 4859705 (VCV004859705.1).

ClinVar aggregate classification (germline): Uncertain significance (1 of 4 stars; one submission).

Conditions:
Inborn genetic diseases. Identifiers: MedGen C0950123, MeSH D030342.

Submission:

Ambry Genetics
Classification: Uncertain significance for Inborn genetic diseases. Last evaluated: 2026-03-24. Review status: criteria provided, single submitter. Criteria: Ambry Variant Classification Scheme 2023. Collection method: clinical testing. Allele origin: germline.
Comment: The p.E1092G variant (also known as c.3275A>G), located in coding exon 15 of the MECOM gene, results from an A to G substitution at nucleotide position 3275. The glutamic acid at codon 1092 is replaced by glycine, an amino acid with similar properties. This amino acid position is conserved. In addition, this alteration is predicted to be tolerated by in silico analysis. Based on the available evidence, the clinical significance of this variant remains unclear.